The following is an entry in ClinVar:

NM_001183.6(ATP6AP1):c.184G>A (p.Asp62Asn)

Gene: ATP6AP1 (ATPase H+ transporting accessory protein 1; plus strand). Cytogenetic location: Xq28.
Variant type: single nucleotide variant.
Coding change: c.184G>A on transcript NM_001183.6 (MANE Select); coding-DNA position 184, G replaced by A.
Protein change: p.Asp62Asn; replaces aspartic acid 62 with asparagine.
Molecular consequence: missense variant.
Genome position (GRCh38, 1-based): chrX:154,429,070, G>A. VCF-style: chrX-154429070-G-A. GRCh37 (hg19) VCF-style: chrX-153657416-G-A.
Other names: short protein forms D62N.
Identifiers: ClinVar variation 3687324 (VCV003687324.2).

ClinVar aggregate classification (germline): Uncertain significance (1 of 4 stars; one submission).

gnomAD v4.1: 4 of 1,211,693 alleles (0.00033%); highest among the groups gnomAD compares: Non-Finnish European, 0.00045%; no homozygotes.

Submission:

Labcorp Genetics (formerly Invitae), Labcorp
Classification: Uncertain significance. Last evaluated: 2024-08-01. Review status: criteria provided, single submitter. Criteria: Invitae Variant Classification Sherloc (09022015). Collection method: clinical testing. Allele origin: germline.
Comment: This sequence change replaces aspartic acid, which is acidic and polar, with asparagine, which is neutral and polar, at codon 62 of the ATP6AP1 protein (p.Asp62Asn). This variant is not present in population databases (gnomAD no frequency). This variant has not been reported in the literature in individuals affected with ATP6AP1-related conditions. Advanced modeling of protein sequence and biophysical properties (such as structural, functional, and spatial information, amino acid conservation, physicochemical variation, residue mobility, and thermodynamic stability) performed at Invitae indicates that this missense variant is not expected to disrupt ATP6AP1 protein function with a negative predictive value of 80%. In summary, the available evidence is currently insufficient to determine the role of this variant in disease. Therefore, it has been classified as a Variant of Uncertain Significance.